The following is an entry in ClinVar:

NM_052947.4(ALPK2):c.5885A>G (p.Tyr1962Cys)

Gene: ALPK2 (alpha kinase 2; minus strand). Cytogenetic location: 18q21.31.
Variant type: single nucleotide variant.
Coding change: c.5885A>G on transcript NM_052947.4 (MANE Select); coding-DNA position 5885, A replaced by G.
Protein change: p.Tyr1962Cys; replaces tyrosine 1962 with cysteine.
Molecular consequence: missense variant.
Genome position (GRCh38, 1-based): chr18:58,516,963, T>C on the plus strand (A>G on the coding strand, the complement: ALPK2 is on the minus strand). VCF-style: chr18-58516963-T-C. GRCh37 (hg19) VCF-style: chr18-56184195-T-C.
Other names: short protein forms Y1962C.
Identifiers: ClinVar variation 1750279 (VCV001750279.3), dbSNP rs2518862679, ClinGen allele CA402548226.
Genomic context (GRCh38, chr18:58,516,963, plus strand): 5'-CCCACCTGGGCAGCGAGTTTGTAGTTCCTTTGGATGAGCTCATCATTATTTCTGGTCCCA[T>C]AGGCAATGGCATTGTGCACCTTAAGCACACAGGCATGGCCAGGTTTGAAGACAGGCATGA-3'
Protein context (NP_443179.3, residues 1952-1972): CVLKVHNAIA[Tyr1962Cys]GTRNNDELIQ

ClinVar aggregate classification (germline): Uncertain significance (1 of 4 stars; one submission).

Allele frequency attached by ClinVar (database versions not stated): gnomAD exomes below 0.00001.
gnomAD v4.1: 2 of 1,614,176 alleles (0.00012%); highest among the groups gnomAD compares: South Asian, 0.0011%; no homozygotes.

Submission:

Ambry Genetics
Classification: Uncertain significance. Last evaluated: 2024-11-15. Review status: criteria provided, single submitter. Criteria: Ambry Variant Classification Scheme 2023. Collection method: clinical testing. Allele origin: germline.
Comment: The p.Y1962C variant (also known as c.5885A>G), located in coding exon 8 of the ALPK2 gene, results from an A to G substitution at nucleotide position 5885. The tyrosine at codon 1962 is replaced by cysteine, an amino acid with highly dissimilar properties. This amino acid position is conserved. In addition, this alteration is predicted to be tolerated by in silico analysis. Since supporting evidence is limited at this time, the clinical significance of this alteration remains unclear.